The following is an entry in ClinVar:

ClinVar aggregate classification (germline): Uncertain significance (1 of 4 stars; one submission).

gnomAD v4.1: 2 of 1,614,232 alleles (0.00012%); highest among the groups gnomAD compares: Non-Finnish European, 0.00017%; no homozygotes.

Submission:

GeneDx
Classification: Uncertain significance. Last evaluated: 2026-01-27. Review status: criteria provided, single submitter. Criteria: GeneDx Variant Classification Process June 2021. Collection method: clinical testing. Allele origin: germline.
Comment: Not observed at significant frequency in large population cohorts (gnomAD); Nonsense variant predicted to result in protein truncation or nonsense mediated decay in a gene or region of a gene for which loss of function is not a well-established mechanism of disease; Has not been previously published as pathogenic or benign to our knowledge

NM_000742.4(CHRNA2):c.900C>A (p.Cys300Ter)

Gene: CHRNA2 (cholinergic receptor nicotinic alpha 2 subunit; minus strand). Cytogenetic location: 8p21.2.
Variant type: single nucleotide variant.
Coding change: c.900C>A on transcript NM_000742.4 (MANE Select); coding-DNA position 900, C replaced by A.
Protein change: p.Cys300Ter; replaces cysteine 300 with a stop codon.
Molecular consequence: nonsense.
Genome position (GRCh38, 1-based): chr8:27,463,543, G>T on the plus strand (C>A on the coding strand, the complement: CHRNA2 is on the minus strand). VCF-style: chr8-27463543-G-T. GRCh37 (hg19) VCF-style: chr8-27321060-G-T.
Other names: c.855C>A, p.Cys285Ter (NM_001282455.2); c.423C>A, p.Cys141Ter (NM_001347705.2, NM_001347706.2); c.306C>A, p.Cys102Ter (NM_001347707.2, NM_001347708.2); short protein forms C102*, C141*, C285*, C300*.
Identifiers: ClinVar variation 4975580 (VCV004975580.1), dbSNP rs779197511.